The following is an entry in ClinVar:

ClinVar aggregate classification (germline): Uncertain significance (1 of 4 stars; one submission).

Conditions:
MAGEL2-related disorder. Also called: MAGEL2-related condition.

Submission:

PreventionGenetics, part of Exact Sciences
Classification: Uncertain significance for MAGEL2-related condition. Last evaluated: 2026-09-15. Review status: criteria provided, single submitter. Criteria: ACMG Guidelines, 2015. Collection method: clinical testing. Allele origin: germline.
Comment: The MAGEL2 c.146T>C variant is predicted to result in the amino acid substitution p.Ile49Thr. To our knowledge, this variant has not been reported in the literature or in a large population database (gnomAD), indicating this variant is rare. At this time, the clinical significance of this variant is uncertain due to the absence of conclusive functional and genetic evidence.

NM_019066.5(MAGEL2):c.146T>C (p.Ile49Thr)

Gene: MAGEL2 (MAGE family member L2; minus strand). Cytogenetic location: 15q11.2.
Variant type: single nucleotide variant.
Coding change: c.146T>C on transcript NM_019066.5 (MANE Select); coding-DNA position 146, T replaced by C.
Protein change: p.Ile49Thr; replaces isoleucine 49 with threonine.
Molecular consequence: missense variant.
Genome position (GRCh38, 1-based): chr15:23,647,597, A>G on the plus strand (T>C on the coding strand, the complement: MAGEL2 is on the minus strand). VCF-style: chr15-23647597-A-G. GRCh37 (hg19) VCF-style: chr15-23892744-A-G.
Other names: short protein forms I49T.
Identifiers: ClinVar variation 4996080 (VCV004996080.1).